The following is an entry in ClinVar:

ClinVar aggregate classification (germline): Conflicting classifications of pathogenicity. Review status: criteria provided, conflicting classifications (1 of 4 stars). 8 submissions from 8 submitters: Pathogenic (1); Likely pathogenic (1); Uncertain significance (6). Last evaluated 2026-04-27.

Conditions:
PERCHING syndrome (PERCHING). Also called: Cold-induced sweating syndrome 3. Identifiers: Orphanet 157820, Orphanet 603684, MedGen C4310742, MONDO:0014890, OMIM 617055.
Retinitis pigmentosa 42 (RP42). Identifiers: Orphanet 791, MedGen C2751986, MONDO:0013052, OMIM 612943.

Allele frequency attached by ClinVar (database versions not stated): gnomAD exomes below 0.00001 and 0.00001; ExAC 0.00001; gnomAD 0.00003 and 0.00004; TOPMed 0.00005; ESP Exome Variant Server 0.00015.
gnomAD v4.1: 12 of 1,611,596 alleles (0.00074%); highest among the groups gnomAD compares: African/African-American, 0.011%; no homozygotes.

Submissions (8):

Dasa
Classification: Uncertain significance for PERCHING syndrome. Last evaluated: 2026-04-27. Review status: criteria provided, single submitter. Criteria: DASA Assertion Criteria. Collection method: clinical testing. Allele origin: germline. Inheritance: Autosomal recessive inheritance.
Comment: NM_001031710.3(KLHL7):c.793+5G>C (p.?) is an intronic splice-region variant affecting the +5 position of the canonical donor site and is predicted to alter normal RNA splicing. KLHL7 is associated with autosomal recessive PERCHING syndrome, for which loss of function is an established disease mechanism. This variant has been reported at low frequency in population databases and computational analyses support a deleterious effect on splicing. The variant was observed in trans with another KLHL7 variant in an affected individual, providing limited observational evidence consistent with recessive inheritance (PMID: 35670385). Based on the available data, this variant is classified as Variant of Uncertain Significance.

Labcorp Genetics (formerly Invitae), Labcorp
Classification: Likely pathogenic. Last evaluated: 2026-01-24. Review status: criteria provided, single submitter. Criteria: Invitae Variant Classification Sherloc (09022015). Collection method: clinical testing. Allele origin: germline.
Comment: This sequence change falls in intron 6 of the KLHL7 gene. It does not directly change the encoded amino acid sequence of the KLHL7 protein. It affects a nucleotide within the consensus splice site. This variant is present in population databases (rs375718274, gnomAD 0.01%). This variant has been observed in individual(s) with clinical features of autosomal recessive KLHL7-related conditions (PMID: 35670385; internal data). In at least one individual the data is consistent with being in trans (on the opposite chromosome) from a pathogenic variant. ClinVar contains an entry for this variant (Variation ID: 452804). Variants that disrupt the consensus splice site are a relatively common cause of aberrant splicing (PMID: 17576681, 9536098). Algorithms developed to predict the effect of sequence changes on RNA splicing suggest that this variant may disrupt the consensus splice site. In summary, the currently available evidence indicates that the variant is pathogenic, but additional data are needed to prove that conclusively. Therefore, this variant has been classified as Likely Pathogenic.

Women's Health and Genetics/Laboratory Corporation of America, LabCorp
Classification: Uncertain significance. Last evaluated: 2025-06-10. Review status: criteria provided, single submitter. Criteria: LabCorp Variant Classification Summary - May 2015. Collection method: clinical testing. Allele origin: germline.
Comment: Variant summary: KLHL7 c.793+5G>C alters a conserved nucleotide located close to a canonical splice site and therefore could affect mRNA splicing, leading to a significantly altered protein sequence. Several computational tools predict a significant impact on normal splicing: One predicts the variant abolishes a 5' splicing donor site. Two predict the variant weakens a 5' donor site. However, these predictions have yet to be confirmed by functional studies. The variant allele was found at a frequency of 8e-06 in 250318 control chromosomes (gnomAD). The available data on variant occurrences in the general population are insufficient to allow any conclusion about variant significance. c.793+5G>C has been observed in individuals affected with clinical features of KLHL7-Related Disorders (Makay_2022, internal data). These data do not allow any conclusion about variant significance. To our knowledge, no experimental evidence demonstrating an impact on protein function has been reported. The following publication have been ascertained in the context of this evaluation (PMID: 35670385). ClinVar contains an entry for this variant (Variation ID: 452804). Based on the evidence outlined above, the variant was classified as VUS-possibly pathogenic.

Blueprint Genetics
Classification: Uncertain significance. Last evaluated: 2022-06-03. Review status: criteria provided, single submitter. Criteria: ACMG Guidelines, 2015. Collection method: clinical testing. Allele origin: germline.

Mendelics
Classification: Pathogenic for Retinitis pigmentosa 42. Last evaluated: 2022-05-04. Review status: criteria provided, single submitter. Criteria: Mendelics Assertion Criteria 2019. Collection method: clinical testing. Allele origin: germline.

Centre for Human Genetics, University of Kinshasa
Classification: Uncertain significance for PERCHING syndrome. Last evaluated: 2021-08-11. Review status: criteria provided, single submitter. Criteria: ACMG Guidelines, 2015. Collection method: clinical testing. Allele origin: germline. Inheritance: Autosomal recessive inheritance. Affected: yes. Observed: 1 compound heterozygote.
Comment: The splice site prediction scores Ada and RF (Jiang et al., 2014) predict that this variant has an effect on splicing. The SpliceAI scores predict that this variant causes the loss of an existing splice donor site. NM_001031710.2; ENST339077: c.944delG; p.Ser315fs. In summary, the c.793+5G>C is classified as VUS

Illumina Laboratory Services, Illumina
Classification: Uncertain significance for PERCHING syndrome. Last evaluated: 2021-04-29. Review status: criteria provided, single submitter. Criteria: ICSLVariantClassificationCriteria RUGD 01 April 2020. Collection method: clinical testing. Allele origin: unknown.
Comment: The KLHL7 c.793+5G>C variant is a splice region variant. A literature search was performed for the gene and cDNA change. No publications were found based on this search. The c.793+5G>C variant is reported at a frequency of 0.000120 in the African/African-American population of the Genome Aggregation Database. The c.793+5G>C variant is predicted to disrupt the splice donor site based on a splicing prediction algorithm (Jaganathan et al. 2019). Based on the limited evidence, the c.793+5G>C variant is classified as a variant of uncertain significance for PERCHING syndrome.

GeneDx
Classification: Uncertain significance. Last evaluated: 2017-10-18. Review status: criteria provided, single submitter. Criteria: GeneDx Variant Classification (06012015). Collection method: clinical testing. Allele origin: germline. Affected: yes.
Comment: The c.793+5G>C variant in the KLHL7 gene has not been reported previously as a pathogenic variant nor as a benign variant, to our knowledge. This variant reduces the quality of the splice donor site in intron 6, and is expected to cause abnormal gene splicing. The c.793+5G>C variant is observed in 3/24036 (0.012%) alleles from individuals of African background in large population cohorts (Lek et al., 2016). We interpret c.793+5G>C as a variant of uncertain significance.

Literature cited by the submitters: PubMed 35670385 (cited by 4 submitters); PubMed 17576681 (cited by Labcorp Genetics (formerly Invitae), Labcorp); PubMed 9536098 (cited by Labcorp Genetics (formerly Invitae), Labcorp).

NM_001031710.3(KLHL7):c.793+5G>C

Gene: KLHL7 (kelch like family member 7; plus strand). Cytogenetic location: 7p15.3.
Variant type: single nucleotide variant.
Coding change: c.793+5G>C on transcript NM_001031710.3 (MANE Select); 5 bases into the intron after coding-DNA position 793, G replaced by C.
Molecular consequence: intron variant.
Genome position (GRCh38, 1-based): chr7:23,144,030, G>C. VCF-style: chr7-23144030-G-C. GRCh37 (hg19) VCF-style: chr7-23183649-G-C.
Other names: c.649+5G>C (NM_018846.5).
Identifiers: ClinVar variation 452804 (VCV000452804.23), dbSNP rs375718274, ClinGen allele CA4186478.